The following is an entry in ClinVar:

NC_000009.12:g.35658039T>C

Gene: RMRP (RNA component of mitochondrial RNA processing endoribonuclease; minus strand). Cytogenetic location: 9p13.3.
Variant type: single nucleotide variant.
Genome position: GRCh38 VCF-style: chr9-35658039-T-C. GRCh37 (hg19) VCF-style: chr9-35658036-T-C.
Identifiers: ClinVar variation 1415536 (VCV001415536.4), dbSNP rs563106486, ClinGen allele CA5045892.

ClinVar aggregate classification (germline): Uncertain significance (1 of 4 stars; one submission).

Conditions:
Anauxetic dysplasia. Identifiers: Orphanet 93347, MedGen C1846796, MONDO:0011773.

Allele frequency attached by ClinVar (database versions not stated): 1000 Genomes Project 30x 0.00016; ExAC 0.00053.

Submission:

Labcorp Genetics (formerly Invitae), Labcorp
Classification: Uncertain significance for Anauxetic dysplasia. Last evaluated: 2024-12-03. Review status: criteria provided, single submitter. Criteria: Invitae Variant Classification Sherloc (09022015). Collection method: clinical testing. Allele origin: germline.
Comment: This variant occurs in the RMRP gene, which encodes an RNA molecule that does not result in a protein product. The frequency data for this variant in the population databases is considered unreliable, as metrics indicate poor data quality at this position in the gnomAD database. This variant has not been reported in the literature in individuals affected with RMRP-related conditions. Experimental studies and prediction algorithms are not available or were not evaluated, and the functional significance of this variant is currently unknown. In summary, the available evidence is currently insufficient to determine the role of this variant in disease. Therefore, it has been classified as a Variant of Uncertain Significance.